The following is an entry in ClinVar:

NM_003126.4(SPTA1):c.4195-12G>A

Gene: SPTA1 (spectrin alpha, erythrocytic 1; minus strand). Cytogenetic location: 1q23.1.
Variant type: single nucleotide variant.
Coding change: c.4195-12G>A on transcript NM_003126.4 (MANE Select); 12 bases into the intron before coding-DNA position 4195, G replaced by A.
Molecular consequence: intron variant.
Genome position (GRCh38, 1-based): chr1:158,644,408, C>T on the plus strand (G>A on the coding strand, the complement: SPTA1 is on the minus strand). VCF-style: chr1-158644408-C-T. GRCh37 (hg19) VCF-style: chr1-158614198-C-T.
Other names: p.?.
Identifiers: ClinVar variation 258935 (VCV000258935.69), dbSNP rs6702040, ClinGen allele CA1182794.
Genomic context (GRCh38, chr1:158,644,408, plus strand): 5'-CACGTGCCACCATCCAGCTCTCAACTTGATCACAGTTCCCCTGGAACATCTATGAGGAAT[C>T]AAATGAGAGGGGTATGGTATAGTCCATGTGGTGTGGAGGAAATGATGTTACACCTCTTTC-3'

ClinVar aggregate classification (germline): Benign/Likely benign. Review status: criteria provided, multiple submitters, no conflicts (2 of 4 stars). 15 submissions from 11 submitters: Benign (12); Likely benign (1). 2 of the submissions do not count toward it. Last evaluated 2026-02-03.

Conditions:
Hereditary spherocytosis type 3. Also called: Spherocytosis type 3; SPTA1-Related Spherocytosis. Identifiers: Orphanet 822, MedGen C2678338, MONDO:0010053, OMIM 270970.
Elliptocytosis 2 (EL2). Also called: ELLIPTOCYTOSIS, RHESUS-UNLINKED TYPE. Identifiers: Orphanet 288, MedGen C1851741, MONDO:0007533, OMIM 130600.
Pyropoikilocytosis, hereditary. Also called: Pyropoikilocytosis. Identifiers: MedGen C0520739, MONDO:0009948, OMIM 266140, HP:0004839. Disease mechanism: loss of function.

Allele frequency attached by ClinVar (database versions not stated): ExAC 0.29771; 1000 Genomes Project 0.31969; 1000 Genomes Project 30x 0.32714; ESP Exome Variant Server 0.33648; TOPMed 0.33892; gnomAD 0.34186.
gnomAD v4.1: 485,146 of 1,612,488 alleles (30%); highest among the groups gnomAD compares: African/African-American, 46%; 75,454 homozygotes.

Submissions (15):

Labcorp Genetics (formerly Invitae), Labcorp
Classification: Benign. Last evaluated: 2026-02-03. Review status: criteria provided, single submitter. Criteria: Invitae Variant Classification Sherloc (09022015). Collection method: clinical testing. Allele origin: germline.

ARUP Laboratories, Molecular Genetics and Genomics, ARUP Laboratories
Classification: Benign. Last evaluated: 2025-07-31. Review status: criteria provided, single submitter. Criteria: ARUP Molecular Germline Variant Investigation Process 2024. Collection method: clinical testing. Allele origin: germline.

Blueprint Genetics
Classification: Likely benign. Last evaluated: 2024-11-26. Review status: criteria provided, single submitter. Criteria: ACMG Guidelines, 2015. Collection method: clinical testing. Allele origin: germline.

Genome-Nilou Lab
Classification: Benign for Pyropoikilocytosis, hereditary. Last evaluated: 2021-07-15. Review status: criteria provided, single submitter. Criteria: ACMG Guidelines, 2015. Collection method: clinical testing. Allele origin: germline. Affected: no.

Genome-Nilou Lab
Classification: Benign for Hereditary spherocytosis type 3. Last evaluated: 2021-07-15. Review status: criteria provided, single submitter. Criteria: ACMG Guidelines, 2015. Collection method: clinical testing. Allele origin: germline. Affected: no.

Genome-Nilou Lab
Classification: Benign for Elliptocytosis 2. Last evaluated: 2021-07-15. Review status: criteria provided, single submitter. Criteria: ACMG Guidelines, 2015. Collection method: clinical testing. Allele origin: germline. Affected: no.

GeneDx
Classification: Benign. Last evaluated: 2018-11-12. Review status: criteria provided, single submitter. Criteria: GeneDx Variant Classification Process June 2021. Collection method: clinical testing. Allele origin: germline. Affected: yes.

Illumina Laboratory Services, Illumina
Classification: Benign for Elliptocytosis 2. Last evaluated: 2018-01-13. Review status: criteria provided, single submitter. Criteria: ICSL Variant Classification Criteria 13 December 2019. Collection method: clinical testing. Allele origin: germline.
Comment: This variant was observed in the ICSL laboratory as part of a predisposition screen in an ostensibly healthy population. It had not been previously curated by ICSL or reported in the Human Gene Mutation Database (HGMD: prior to June 1st, 2018), and was therefore a candidate for classification through an automated scoring system. Utilizing variant allele frequency, disease prevalence and penetrance estimates, and inheritance mode, an automated score was calculated to assess if this variant is too frequent to cause the disease. Based on the score and internal cut-off values, a variant classified as benign is not then subjected to further curation. The score for this variant resulted in a classification of benign for this disease.

Illumina Laboratory Services, Illumina
Classification: Benign for Pyropoikilocytosis, hereditary. Last evaluated: 2018-01-13. Review status: criteria provided, single submitter. Criteria: ICSL Variant Classification Criteria 13 December 2019. Collection method: clinical testing. Allele origin: germline.
Comment: the same text as in the submission from Illumina Laboratory Services, Illumina above.

Illumina Laboratory Services, Illumina
Classification: Benign for Hereditary spherocytosis type 3. Last evaluated: 2018-01-13. Review status: criteria provided, single submitter. Criteria: ICSL Variant Classification Criteria 13 December 2019. Collection method: clinical testing. Allele origin: germline.
Comment: the same text as in the submission from Illumina Laboratory Services, Illumina above.

Mayo Clinic Laboratories, Mayo Clinic
Classification: Benign. Last evaluated: 2016-04-16. Review status: criteria provided, single submitter. Criteria: ACMG Guidelines, 2015. Collection method: clinical testing. Allele origin: germline. Observed: 1,326 variant alleles.

Breakthrough Genomics
Classification: Benign. Review status: criteria provided, single submitter. Criteria: ACMG Guidelines, 2015. Collection method: not provided. Allele origin: germline. Inheritance: Autosomal recessive inheritance. Affected: yes.

PreventionGenetics, part of Exact Sciences
Classification: Benign. Review status: criteria provided, single submitter. Criteria: ACMG Guidelines, 2015. Collection method: clinical testing. Allele origin: germline.

Diagnostic Laboratory, Department of Genetics, University Medical Center Groningen
Classification: Benign. Review status: no assertion criteria provided. Collection method: clinical testing. Allele origin: germline. Affected: yes. Study: VKGL Data-share Consensus. Not counted in ClinVar's aggregate classification.

Genome Diagnostics Laboratory, University Medical Center Utrecht
Classification: Benign. Review status: no assertion criteria provided. Collection method: clinical testing. Allele origin: germline. Affected: yes. Study: VKGL Data-share Consensus. Not counted in ClinVar's aggregate classification.